The following is an entry in ClinVar:

ClinVar aggregate classification (germline): Uncertain significance (1 of 4 stars; one submission).

gnomAD v4.1: 10 of 1,614,056 alleles (0.00062%); highest among the groups gnomAD compares: Admixed American, 0.0033%; no homozygotes.

Submission:

Ambry Genetics
Classification: Uncertain significance. Last evaluated: 2024-12-03. Review status: criteria provided, single submitter. Criteria: Ambry Variant Classification Scheme 2023. Collection method: clinical testing. Allele origin: germline.
Comment: The p.V1055G variant (also known as c.3164T>G), located in coding exon 12 of the CDK12 gene, results from a T to G substitution at nucleotide position 3164. The valine at codon 1055 is replaced by glycine, an amino acid with dissimilar properties. This amino acid position is conserved. In addition, this alteration is predicted to be tolerated by in silico analysis. Based on the available evidence, the clinical significance of this variant remains unclear.

NM_016507.4(CDK12):c.3164T>G (p.Val1055Gly)

Gene: CDK12 (cyclin dependent kinase 12; plus strand). Cytogenetic location: 17q12.
Variant type: single nucleotide variant.
Coding change: c.3164T>G on transcript NM_016507.4 (MANE Select); coding-DNA position 3164, T replaced by G.
Protein change: p.Val1055Gly; replaces valine 1055 with glycine.
Molecular consequence: missense variant.
Genome position (GRCh38, 1-based): chr17:39,524,742, T>G. VCF-style: chr17-39524742-T-G. GRCh37 (hg19) VCF-style: chr17-37680995-T-G.
Other names: c.3164T>G, p.Val1055Gly (NM_015083.4); short protein forms V1055G.
Identifiers: ClinVar variation 3489349 (VCV003489349.1).